The following is an entry in ClinVar:

ClinVar aggregate classification (germline): Uncertain significance (1 of 4 stars; one submission).

Conditions:
Familial thoracic aortic aneurysm and aortic dissection (TAAD). Also called: Thoracic aortic aneurysms and dissections. Identifiers: Orphanet 91387, MedGen C4707243, MONDO:0019625.

gnomAD v4.1: 1 of 1,612,748 alleles (0.000062%); highest among the groups gnomAD compares: Admixed American, 0.0017%; no homozygotes.

Submission:

Ambry Genetics
Classification: Uncertain significance for Familial thoracic aortic aneurysm and aortic dissection. Last evaluated: 2023-09-06. Review status: criteria provided, single submitter. Criteria: Ambry Variant Classification Scheme 2023. Collection method: clinical testing. Allele origin: germline.
Comment: The p.G2195R variant (also known as c.6583G>C), located in coding exon 34 of the NOTCH1 gene, results from a G to C substitution at nucleotide position 6583. The glycine at codon 2195 is replaced by arginine, an amino acid with dissimilar properties. This amino acid position is conserved. In addition, this alteration is predicted to be tolerated by in silico analysis. Since supporting evidence is limited at this time, the clinical significance of this alteration remains unclear.

NM_017617.5(NOTCH1):c.6583G>C (p.Gly2195Arg)

Gene: NOTCH1 (notch receptor 1; minus strand). Cytogenetic location: 9q34.3.
Variant type: single nucleotide variant.
Coding change: c.6583G>C on transcript NM_017617.5 (MANE Select); coding-DNA position 6583, G replaced by C.
Protein change: p.Gly2195Arg; replaces glycine 2195 with arginine.
Molecular consequence: missense variant.
Genome position (GRCh38, 1-based): chr9:136,497,156, C>G on the plus strand (G>C on the coding strand, the complement: NOTCH1 is on the minus strand). VCF-style: chr9-136497156-C-G. GRCh37 (hg19) VCF-style: chr9-139391608-C-G.
Other names: short protein forms G2195R.
Identifiers: ClinVar variation 2586759 (VCV002586759.2), dbSNP rs376422513, ClinGen allele CA375631171.